The following is an entry in ClinVar:

ClinVar aggregate classification (germline): Pathogenic (1 of 4 stars; one submission).

Conditions:
Early-infantile DEE. Also called: Early infantile epileptic encephalopathy with suppression bursts; Early infantile epileptic encephalopathy; Ohtahara syndrome. Identifiers: Orphanet 1934, MedGen C0393706, MONDO:0800491.

Submission:

Labcorp Genetics (formerly Invitae), Labcorp
Classification: Pathogenic for Early-infantile DEE. Last evaluated: 2025-08-21. Review status: criteria provided, single submitter. Criteria: Invitae Variant Classification Sherloc (09022015). Collection method: clinical testing. Allele origin: germline.
Comment: This sequence change replaces leucine, which is neutral and non-polar, with proline, which is neutral and non-polar, at codon 1630 of the SCN8A protein (p.Leu1630Pro). This variant is not present in population databases (gnomAD no frequency). This missense change has been observed in individual(s) with SCN8A-related conditions and/or seizures (PMID: 26633542, 31887642). In at least one individual the variant was observed to be de novo. ClinVar contains an entry for this variant (Variation ID: 2735862). Invitae Evidence Modeling of protein sequence and biophysical properties (such as structural, functional, and spatial information, amino acid conservation, physicochemical variation, residue mobility, and thermodynamic stability) indicates that this missense variant is expected to disrupt SCN8A protein function with a positive predictive value of 95%. For these reasons, this variant has been classified as Pathogenic.

Literature cited by the submitters: PubMed 26633542; PubMed 31887642.

NM_001330260.2(SCN8A):c.4889T>C (p.Leu1630Pro)

Gene: SCN8A (sodium voltage-gated channel alpha subunit 8; plus strand). Cytogenetic location: 12q13.13.
Variant type: single nucleotide variant.
Coding change: c.4889T>C on transcript NM_001330260.2 (MANE Select); coding-DNA position 4889, T replaced by C.
Protein change: p.Leu1630Pro; replaces leucine 1630 with proline.
Molecular consequence: missense variant.
Genome position (GRCh38, 1-based): chr12:51,806,375, T>C. VCF-style: chr12-51806375-T-C. GRCh37 (hg19) VCF-style: chr12-52200159-T-C.
Other names: c.4766T>C, p.Leu1589Pro (NM_001177984.3, NM_001369788.1); c.4889T>C, p.Leu1630Pro (NM_014191.4); short protein forms L1630P, L1589P.
Identifiers: ClinVar variation 2735862 (VCV002735862.3), dbSNP rs1555230931, ClinGen allele CA318288.